The following is an entry in ClinVar:

ClinVar aggregate classification (germline): Likely pathogenic (1 of 4 stars; one submission).

Submission:

Labcorp Genetics (formerly Invitae), Labcorp
Classification: Likely pathogenic. Last evaluated: 2025-11-06. Review status: criteria provided, single submitter. Criteria: Invitae Variant Classification Sherloc (09022015). Collection method: clinical testing. Allele origin: germline.
Comment: This variant results in the deletion of part of exon 11 of the COL9A1 gene. It is expected to disrupt RNA splicing. Variants that disrupt the donor or acceptor splice site typically lead to a loss of protein function (PMID: 16199547), and loss-of-function variants in COL9A1 are known to be pathogenic (PMID: 16909383, 21421862). This variant is not present in population databases (gnomAD no frequency). This variant has not been reported in the literature in individuals affected with COL9A1-related conditions. In summary, the currently available evidence indicates that the variant is pathogenic, but additional data are needed to prove that conclusively. Therefore, this variant has been classified as Likely Pathogenic.

Literature cited by the submitters: PubMed 16199547; PubMed 16909383; PubMed 21421862.

NM_001851.6(COL9A1):c.976-153_996del

Gene: COL9A1 (collagen type IX alpha 1 chain; minus strand). Cytogenetic location: 6q13.
Variant type: Deletion.
Coding change: c.976-153_996del on transcript NM_001851.6 (MANE Select); 153 bases into the intron before coding-DNA position 976 through coding-DNA position 996, 174 bases deleted.
Molecular consequence: splice acceptor variant.
Genome position (GRCh38, 1-based): chr6:70,274,752-70,274,925, 174 bases deleted. GRCh37 (hg19): chr6:70,984,457-70,984,630.
Other names: c.247-153_267del (NM_001377290.1, NM_078485.4, NM_001377289.1).
Identifiers: ClinVar variation 4730682 (VCV004730682.1).